The following is an entry in ClinVar:

ClinVar aggregate classification (germline): Benign/Likely benign. Review status: criteria provided, multiple submitters, no conflicts (2 of 4 stars). 3 submissions from 3 submitters: Benign (1); Likely benign (2). Last evaluated 2025-09-12.

Conditions:
Autosomal dominant Parkinson disease 8. Also called: LRRK2-Related Parkinson Disease; Parkinson disease 8; Parkinson disease 8, susceptibility to. Identifiers: Orphanet 411602, MedGen C1846862, MONDO:0011764, OMIM 607060.

Allele frequency attached by ClinVar (database versions not stated): gnomAD 0.00004 and 0.00007; TOPMed 0.00005; ESP Exome Variant Server 0.00008; 1000 Genomes Project 30x 0.00016; gnomAD exomes 0.00016; 1000 Genomes Project 0.00020; ExAC 0.00022.
gnomAD v4.1: 158 of 1,611,448 alleles (0.0098%); highest among the groups gnomAD compares: South Asian, 0.13%; 1 homozygote.

Submissions (3):

Athena Diagnostics
Classification: Benign. Last evaluated: 2025-09-12. Review status: criteria provided, single submitter. Criteria: Athena Diagnostics Criteria. Collection method: clinical testing. Allele origin: unknown.
Comment: The frequency of this variant in the general population is higher than would generally be expected for pathogenic variants in this gene. Computational tools predict this amino acid change may be benign.

Labcorp Genetics (formerly Invitae), Labcorp
Classification: Likely benign for Autosomal dominant Parkinson disease 8. Last evaluated: 2025-04-17. Review status: criteria provided, single submitter. Criteria: Invitae Variant Classification Sherloc (09022015). Collection method: clinical testing. Allele origin: germline.

GeneDx
Classification: Likely benign. Last evaluated: 2020-12-03. Review status: criteria provided, single submitter. Criteria: GeneDx Variant Classification Process June 2021. Collection method: clinical testing. Allele origin: germline. Affected: yes.
Comment: See Variant Classification Assertion Criteria.

NM_198578.4(LRRK2):c.2761G>A (p.Val921Ile)

Gene: LRRK2 (leucine rich repeat kinase 2; plus strand). Cytogenetic location: 12q12.
Variant type: single nucleotide variant.
Coding change: c.2761G>A on transcript NM_198578.4 (MANE Select); coding-DNA position 2761, G replaced by A.
Protein change: p.Val921Ile; replaces valine 921 with isoleucine.
Molecular consequence: missense variant.
Genome position (GRCh38, 1-based): chr12:40,293,616, G>A. VCF-style: chr12-40293616-G-A. GRCh37 (hg19) VCF-style: chr12-40687418-G-A.
Other names: short protein forms V921I.
Identifiers: ClinVar variation 706064 (VCV000706064.10), dbSNP rs145926545, ClinGen allele CA6513731.